The following is an entry in ClinVar:

NC_000018.9:g.(?_43467696)_(43467892_?)del

Gene: EPG5 (ectopic P-granules 5 autophagy tethering factor; minus strand). Cytogenetic location: 18q12.3.
Variant type: Deletion.
Identifiers: ClinVar variation 3242741 (VCV003242741.1).

ClinVar aggregate classification (germline): Pathogenic (1 of 4 stars; one submission).

Conditions:
Vici syndrome (VICIS). Identifiers: Orphanet 1493, MedGen C1855772, MONDO:0009452, OMIM 242840.

Submission:

Labcorp Genetics (formerly Invitae), Labcorp
Classification: Pathogenic for Vici syndrome. Last evaluated: 2023-03-19. Review status: criteria provided, single submitter. Criteria: Invitae Variant Classification Sherloc (09022015). Collection method: clinical testing. Allele origin: unknown.
Comment: For these reasons, this variant has been classified as Pathogenic. This variant has not been reported in the literature in individuals affected with EPG5-related conditions. This variant is a gross deletion of the genomic region encompassing exon(s) 29 of the EPG5 gene. This deletion is out-of-frame, and is expected to create a premature termination codon and result in an absent or disrupted protein product. Loss-of-function variants in EPG5 are known to be pathogenic (PMID: 23222957, 23674064).

Literature cited by the submitters: PubMed 23222957; PubMed 23674064.